The following is an entry in ClinVar:

ClinVar aggregate classification (germline): Uncertain significance (1 of 4 stars; one submission).

Conditions:
Hereditary cancer-predisposing syndrome. Also called: Hereditary neoplastic syndrome; Neoplastic Syndromes, Hereditary; Tumor predisposition; Hereditary Cancer Syndrome. Identifiers: Orphanet 140162, MedGen C0027672, MeSH D009386, MONDO:0015356.

Submission:

Ambry Genetics
Classification: Uncertain significance for Hereditary cancer-predisposing syndrome. Last evaluated: 2025-08-02. Review status: criteria provided, single submitter. Criteria: Ambry Variant Classification Scheme 2023. Collection method: clinical testing. Allele origin: germline.
Comment: The p.L116F variant (also known as c.348A>C), located in coding exon 4 of the PALB2 gene, results from an A to C substitution at nucleotide position 348. The leucine at codon 116 is replaced by phenylalanine, an amino acid with highly similar properties. This amino acid position is conserved. In addition, this alteration is predicted to be tolerated by in silico analysis. Based on the available evidence, the clinical significance of this variant remains unclear.

NM_024675.4(PALB2):c.348A>C (p.Leu116Phe)

Gene: PALB2 (partner and localizer of BRCA2; minus strand). Cytogenetic location: 16p12.2.
Variant type: single nucleotide variant.
Coding change: c.348A>C on transcript NM_024675.4 (MANE Select); coding-DNA position 348, A replaced by C.
Protein change: p.Leu116Phe; replaces leucine 116 with phenylalanine.
Molecular consequence: missense variant. On other transcripts: 5 prime UTR variant (8), intron variant (3).
Genome position (GRCh38, 1-based): chr16:23,636,198, T>G on the plus strand (A>C on the coding strand, the complement: PALB2 is on the minus strand). VCF-style: chr16-23636198-T-G. GRCh37 (hg19) VCF-style: chr16-23647519-T-G.
Other names: c.-538A>C (NM_001407306.1, NM_001407307.1, NM_001407308.1 and 5 more transcripts); c.48+4912A>C (NM_001407314.1); c.-105+4912A>C (NM_001407313.1, NM_001407312.1); c.288A>C, p.Leu96Phe (NM_001407296.1); c.348A>C, p.Leu116Phe (NM_001407297.1, NM_001407298.1, NM_001407299.1 and 3 more transcripts); short protein forms L116F, L96F.
Identifiers: ClinVar variation 4130339 (VCV004130339.1).